The following is an entry in ClinVar:

NM_000135.4(FANCA):c.1325C>T (p.Pro442Leu)

Gene: FANCA (FA complementation group A; minus strand). Cytogenetic location: 16q24.3.
Variant type: single nucleotide variant.
Coding change: c.1325C>T on transcript NM_000135.4 (MANE Select); coding-DNA position 1325, C replaced by T.
Protein change: p.Pro442Leu; replaces proline 442 with leucine.
Molecular consequence: missense variant.
Genome position (GRCh38, 1-based): chr16:89,791,437, G>A on the plus strand (C>T on the coding strand, the complement: FANCA is on the minus strand). VCF-style: chr16-89791437-G-A. GRCh37 (hg19) VCF-style: chr16-89857845-G-A.
Other names: c.1325C>T, p.Pro442Leu (NM_001286167.3); short protein forms P442L.
Identifiers: ClinVar variation 3848031 (VCV003848031.1).
Genomic context (GRCh38, chr16:89,791,437, plus strand): 5'-AGGTAGCCGATTGGCAGGTCACTTACCTTGAACCAGTCTGCATATGACAGGAACGCAGAG[G>A]GGCCCTCCAGTGCTGCCTGGCGCACAACCAGGAACGCAGTGACCATGCTGTCCAGCTGGC-3'
Protein context (NP_000126.2, residues 432-452): LVVRQAALEG[Pro442Leu]SAFLSYADWF

ClinVar aggregate classification (germline): Uncertain significance (1 of 4 stars; one submission).

Conditions:
Inborn genetic diseases. Identifiers: MedGen C0950123, MeSH D030342.

Submission:

Ambry Genetics
Classification: Uncertain significance for Inborn genetic diseases. Last evaluated: 2024-12-16. Review status: criteria provided, single submitter. Criteria: Ambry Variant Classification Scheme 2023. Collection method: clinical testing. Allele origin: germline.
Comment: The p.P442L variant (also known as c.1325C>T), located in coding exon 14 of the FANCA gene, results from a C to T substitution at nucleotide position 1325. The proline at codon 442 is replaced by leucine, an amino acid with similar properties. This amino acid position is conserved. In addition, this alteration is predicted to be deleterious by in silico analysis. Based on the available evidence, the clinical significance of this variant remains unclear.